The following is an entry in ClinVar:

ClinVar aggregate classification (germline): Uncertain significance (1 of 4 stars; one submission).

Conditions:
THBS1-related disorder. Also called: THBS1-related condition.

gnomAD v4.1: 2 of 1,613,840 alleles (0.00012%); highest among the groups gnomAD compares: Non-Finnish European, 0.000085%; no homozygotes.

Submission:

PreventionGenetics, part of Exact Sciences
Classification: Uncertain significance for THBS1-related condition. Last evaluated: 2026-03-18. Review status: criteria provided, single submitter. Criteria: ACMG Guidelines, 2015. Collection method: clinical testing. Allele origin: germline.
Comment: The THBS1 c.3277C>A variant is predicted to result in the amino acid substitution p.Leu1093Met. To our knowledge, this variant has not been reported in the literature. This variant is reported in 0.00088% of alleles in individuals of European (Non-Finnish) descent in gnomAD. At this time, the clinical significance of this variant is uncertain due to the absence of conclusive functional and genetic evidence.

NM_003246.4(THBS1):c.3277C>A (p.Leu1093Met)

Genes: THBS1 (thrombospondin 1; plus strand), LOC126862110 (MED14-independent group 3 enhancer GRCh37_chr15:39885600-39886799; plus strand). Cytogenetic location: 15q14.
Variant type: single nucleotide variant.
Coding change: c.3277C>A on transcript NM_003246.4 (MANE Select); coding-DNA position 3277, C replaced by A.
Protein change: p.Leu1093Met; replaces leucine 1093 with methionine.
Molecular consequence: missense variant.
Genome position (GRCh38, 1-based): chr15:39,594,108, C>A. VCF-style: chr15-39594108-C-A. GRCh37 (hg19) VCF-style: chr15-39886309-C-A.
Other names: short protein forms L1093M.
Identifiers: ClinVar variation 4993067 (VCV004993067.1).